The following is an entry in ClinVar:

ClinVar aggregate classification (germline): Benign/Likely benign. Review status: criteria provided, multiple submitters, no conflicts (2 of 4 stars). 4 submissions from 4 submitters: Benign (1); Likely benign (3). Last evaluated 2026-02-02.

Allele frequency attached by ClinVar (database versions not stated): TOPMed 0.00012; gnomAD exomes 0.00023 and 0.00051; ExAC 0.00041; gnomAD 0.00044 and 0.00048; 1000 Genomes Project 30x 0.00062; 1000 Genomes Project 0.00080.
gnomAD v4.1: 407 of 1,614,232 alleles (0.025%); highest among the groups gnomAD compares: East Asian, 0.12%; no homozygotes.

Submissions (4):

Labcorp Genetics (formerly Invitae), Labcorp
Classification: Benign. Last evaluated: 2026-02-02. Review status: criteria provided, single submitter. Criteria: Invitae Variant Classification Sherloc (09022015). Collection method: clinical testing. Allele origin: germline.

Women's Health and Genetics/Laboratory Corporation of America, LabCorp
Classification: Likely benign. Last evaluated: 2025-11-04. Review status: criteria provided, single submitter. Criteria: LabCorp Variant Classification Summary - May 2015. Collection method: clinical testing. Allele origin: germline.

CeGaT Center for Human Genetics Tuebingen
Classification: Likely benign. Last evaluated: 2025-03-01. Review status: criteria provided, single submitter. Criteria: CeGaT Center For Human Genetics Tuebingen Variant Classification Criteria Version 2. Collection method: clinical testing. Allele origin: germline. Affected: yes. Observed: 2 variant alleles.
Comment: C1S: BP4, BP7

Blueprint Genetics
Classification: Likely benign. Last evaluated: 2024-11-11. Review status: criteria provided, single submitter. Criteria: ACMG Guidelines, 2015. Collection method: clinical testing. Allele origin: germline.

NM_001734.5(C1S):c.1677C>T (p.Leu559=)

Gene: C1S (complement C1s; plus strand). Cytogenetic location: 12p13.31.
Variant type: single nucleotide variant.
Coding change: c.1677C>T on transcript NM_001734.5 (MANE Select); coding-DNA position 1677, C replaced by T.
Protein change: p.Leu559=; no amino-acid change (leucine 559 retained).
Molecular consequence: synonymous variant.
Genome position (GRCh38, 1-based): chr12:7,070,261, C>T. VCF-style: chr12-7070261-C-T. GRCh37 (hg19) VCF-style: chr12-7177565-C-T.
Other names: c.1176C>T, p.Leu392= (NM_001346850.2); c.1677C>T, p.Leu559= (NM_201442.4).
Identifiers: ClinVar variation 1170059 (VCV001170059.24), dbSNP rs143573583, ClinGen allele CA6423826.